The following is an entry in ClinVar:

NM_002087.4(GRN):c.1535del (p.Pro512fs)

Gene: GRN (granulin precursor; plus strand). Cytogenetic location: 17q21.31.
Variant type: Deletion.
Coding change: c.1535del on transcript NM_002087.4 (MANE Select); coding-DNA position 1535, one base deleted (C; older notation c.1535delC).
Protein change: p.Pro512fs; shifts the reading frame from proline 512.
Molecular consequence: frameshift variant.
Genome position (GRCh38, 1-based): chr17:44,352,462, C deleted; the last of 3 consecutive C bases (chr17:44,352,460-44,352,462); deleting any one gives the same sequence. VCF-style (leftmost placement, unchanged base first): chr17-44352459-GC-G. GRCh37 (hg19) VCF-style: chr17-42429827-GC-G.
Other names: short protein forms P512fs.
Identifiers: ClinVar variation 3355919 (VCV003355919.1).

ClinVar aggregate classification (germline): Pathogenic (0 of 4 stars; one submission).

Conditions:
GRN-related disorder. Also called: GRN-related condition; GRN-related disorders.

Submission:

PreventionGenetics, part of Exact Sciences
Classification: Pathogenic for GRN-related condition. Last evaluated: 2024-04-01. Review status: no assertion criteria provided. Collection method: clinical testing. Allele origin: germline.
Comment: The GRN c.1535delC variant is predicted to result in a frameshift and premature protein termination (p.Pro512Leufs*5). This variant has been reported in individuals with GRN-related dementia (Botha et al. 2017. PubMed ID: 29264393; Ramos et al. 2020. PubMed ID: 31914217; Chen et al. 2020. PubMed ID: 31918955; eTable 1, Tipton et al. 2022. PubMed ID: 35790423). This variant has not been reported in a large population database, indicating this variant is rare. Frameshift variants in GRN are expected to be pathogenic. This variant is interpreted as pathogenic.